The following is an entry in ClinVar:

ClinVar aggregate classification (germline): Uncertain significance. Review status: criteria provided, multiple submitters, no conflicts (2 of 4 stars). 6 submissions from 5 submitters: Uncertain significance (6). Last evaluated 2025-10-22.

Conditions:
Inborn genetic diseases. Identifiers: MedGen C0950123, MeSH D030342.
Hypophosphatemic rickets, autosomal recessive, 2 (ARHR2). Identifiers: Orphanet 289176, MedGen C2750078, MONDO:0013219, OMIM 613312.
Arterial calcification, generalized, of infancy, 1 (GACI1). Also called: Idiopathic Infantile Arterial Calcification. Identifiers: Orphanet 51608, MedGen C4551985, MONDO:0008817, OMIM 208000.
Obesity. Also called: Obesity disorder. Identifiers: Orphanet 71529, MedGen C0028754, MeSH D009765, MONDO:0011122, HP:0001513.
Type 2 diabetes mellitus. Also called: Type II diabetes mellitus. Identifiers: MedGen C0011860, MeSH D003924, MONDO:0005148, OMIM 125853, HP:0005978.
Hypopigmentation-punctate palmoplantar keratoderma syndrome. Also called: GUTTATE HYPOPIGMENTATION AND PUNCTATE PALMOPLANTAR KERATODERMA WITH OR WITHOUT ECTOPIC CALCIFICATION; Cole disease. Identifiers: Orphanet 324561, MedGen C3809781, MONDO:0014227, OMIM 615522.

Allele frequency attached by ClinVar (database versions not stated): gnomAD exomes 0.00002 and 0.00009; gnomAD 0.00005; TOPMed 0.00006; ExAC 0.00009.

Submissions (6):

Labcorp Genetics (formerly Invitae), Labcorp
Classification: Uncertain significance. Last evaluated: 2025-10-22. Review status: criteria provided, single submitter. Criteria: Invitae Variant Classification Sherloc (09022015). Collection method: clinical testing. Allele origin: germline.
Comment: This sequence change replaces valine, which is neutral and non-polar, with isoleucine, which is neutral and non-polar, at codon 794 of the ENPP1 protein (p.Val794Ile). This variant is present in population databases (rs201757026, gnomAD 0.04%). This variant has not been reported in the literature in individuals affected with ENPP1-related conditions. ClinVar contains an entry for this variant (Variation ID: 904076). Invitae Evidence Modeling of protein sequence and biophysical properties (such as structural, functional, and spatial information, amino acid conservation, physicochemical variation, residue mobility, and thermodynamic stability) indicates that this missense variant is not expected to disrupt ENPP1 protein function with a negative predictive value of 80%. In summary, the available evidence is currently insufficient to determine the role of this variant in disease. Therefore, it has been classified as a Variant of Uncertain Significance.

Women's Health and Genetics/Laboratory Corporation of America, LabCorp
Classification: Uncertain significance. Last evaluated: 2025-10-07. Review status: criteria provided, single submitter. Criteria: LabCorp Variant Classification Summary - May 2015. Collection method: clinical testing. Allele origin: germline.
Comment: Variant summary: ENPP1 c.2380G>A (p.Val794Ile) results in a conservative amino acid change in the encoded protein sequence. Algorithms developed to predict the effect of missense changes on protein structure and function are either unavailable or do not agree on the potential impact of this missense change. The variant allele was found at a frequency of 9.1e-05 in 251408 control chromosomes. This frequency is not significantly higher than estimated for disease-causing variants in ENPP1, allowing no conclusion about variant significance. To our knowledge, no occurrence of c.2380G>A in individuals affected with ENPP1-related conditions and no experimental evidence demonstrating its impact on protein function have been reported. ClinVar contains an entry for this variant (Variation ID: 904076). Based on the evidence outlined above, the variant was classified as uncertain significance.

Ambry Genetics
Classification: Uncertain significance for Inborn genetic diseases. Last evaluated: 2023-03-31. Review status: criteria provided, single submitter. Criteria: Ambry Variant Classification Scheme 2023. Collection method: clinical testing. Allele origin: germline.

Fulgent Genetics
Classification: Uncertain significance for Type 2 diabetes mellitus; Arterial calcification, generalized, of infancy, 1; Inherited obesity; Hypophosphatemic rickets, autosomal recessive, 2; Hypopigmentation-punctate palmoplantar keratoderma syndrome. Last evaluated: 2022-01-06. Review status: criteria provided, single submitter. Criteria: ACMG Guidelines, 2015. Collection method: clinical testing. Allele origin: unknown.

Illumina Laboratory Services, Illumina
Classification: Uncertain significance for Arterial calcification, generalized, of infancy, 1. Last evaluated: 2018-01-13. Review status: criteria provided, single submitter. Criteria: ICSL Variant Classification Criteria 13 December 2019. Collection method: clinical testing. Allele origin: germline.

Illumina Laboratory Services, Illumina
Classification: Uncertain significance for Hypophosphatemic rickets, autosomal recessive, 2. Last evaluated: 2018-01-13. Review status: criteria provided, single submitter. Criteria: ICSL Variant Classification Criteria 13 December 2019. Collection method: clinical testing. Allele origin: germline.

NM_006208.3(ENPP1):c.2380G>A (p.Val794Ile)

Gene: ENPP1 (ectonucleotide pyrophosphatase/phosphodiesterase 1; plus strand). Cytogenetic location: 6q23.2.
Variant type: single nucleotide variant.
Coding change: c.2380G>A on transcript NM_006208.3 (MANE Select); coding-DNA position 2380, G replaced by A.
Protein change: p.Val794Ile; replaces valine 794 with isoleucine.
Molecular consequence: missense variant.
Genome position (GRCh38, 1-based): chr6:131,884,999, G>A. VCF-style: chr6-131884999-G-A. GRCh37 (hg19) VCF-style: chr6-132206139-G-A.
Other names: short protein forms V794I.
Identifiers: ClinVar variation 904076 (VCV000904076.16), dbSNP rs201757026, ClinGen allele CA4002517.